The following is an entry in ClinVar:

NC_000015.9:g.(?_40763413)_(40764543_?)dup

Gene: CHST14 (carbohydrate sulfotransferase 14; plus strand). Cytogenetic location: 15q15.1.
Variant type: Duplication.
Identifiers: ClinVar variation 1412674 (VCV001412674.1).

ClinVar aggregate classification (germline): Uncertain significance (1 of 4 stars; one submission).

Conditions:
Ehlers-Danlos syndrome, musculocontractural type (EDSMC). Also called: DUNDAR SYNDROME; ADDUCTED THUMB-CLUBFOOT SYNDROME; ARTHROGRYPOSIS, DISTAL, WITH PECULIAR FACIES AND HYDRONEPHROSIS; Adducted thumb, clubfoot, progressive joint and skin laxity syndrome. Identifiers: Orphanet 2953, MedGen C1866294, MONDO:0011142.

Submission:

Labcorp Genetics (formerly Invitae), Labcorp
Classification: Uncertain significance for Ehlers-Danlos syndrome, musculocontractural type. Last evaluated: 2021-05-28. Review status: criteria provided, single submitter. Criteria: Invitae Variant Classification Sherloc (09022015). Collection method: clinical testing. Allele origin: germline.
Comment: A copy number gain of the genomic region encompassing the full coding sequence of the CHST14 gene has been identified. The boundaries of this event are unknown as they extend beyond the assayed region for this gene and therefore may encompass additional genes. As the precise location of this event is unknown, it may be in tandem or it may be located elsewhere in the genome. This variant has not been reported in the literature in individuals with CHST14-related conditions. In summary, the available evidence is currently insufficient to determine the role of this variant in disease. Therefore, it has been classified as a Variant of Uncertain Significance.